The following is an entry in ClinVar:

ClinVar aggregate classification (germline): Likely pathogenic (1 of 4 stars; one submission).

Conditions:
Wolfram syndrome 1 (WFS1). Identifiers: Orphanet 3463, MedGen C4551693, MONDO:0009101, OMIM 222300.

Allele frequency attached by ClinVar (database versions not stated): gnomAD exomes below 0.00001.

Submission:

Department Of Endocrinology, Sanjay Gandhi Postgraduate Institute Of Medical Sciences
Classification: Likely pathogenic for Wolfram syndrome 1. Last evaluated: 2023-08-15. Review status: criteria provided, single submitter. Criteria: ACMG Guidelines, 2015. Collection method: clinical testing. Allele origin: biparental. Inheritance: Autosomal recessive inheritance. Affected: yes. Observed: 2 homozygotes. Clinical features observed: Diabetes mellitus (HP:0000819).
Comment: A homozygous missense variation in exon 8 of the WFS1 gene (chr4:g.6303528A>G; Depth: 806x) that results in the amino acid substitution of Cysteine for Tyrosine at codon 669. The observed variation has previously been reported in a patient affected with Wolfram syndrome. The p.Tyr669Cys variant has not been reported in the 1000 genomes and gnomAD databases. The in silico predictions of the variant are probably damaging by PolyPhen- 2 (HumDiv) and damaging by SIFT, LRT and MutationTaster2. The reference codon is conserved across species. The variant was found to cosegregate with the phenotype on family screening. PM1, PM2, PP1, PP3, PP5

Literature cited by the submitters: PubMed 9817917.

NM_006005.3(WFS1):c.2006A>G (p.Tyr669Cys)

Gene: WFS1 (wolframin ER transmembrane glycoprotein; plus strand). Cytogenetic location: 4p16.1.
Variant type: single nucleotide variant.
Coding change: c.2006A>G on transcript NM_006005.3 (MANE Select); coding-DNA position 2006, A replaced by G.
Protein change: p.Tyr669Cys; replaces tyrosine 669 with cysteine.
Molecular consequence: missense variant.
Genome position (GRCh38, 1-based): chr4:6,301,801, A>G. VCF-style: chr4-6301801-A-G. GRCh37 (hg19) VCF-style: chr4-6303528-A-G.
Other names: NG_011700.1:g.36952A>G; NP_005996.2:p.(Tyr669Cys); c.2006A>G, p.Tyr669Cys (NM_001145853.1); short protein forms Y669C.
Identifiers: ClinVar variation 2576526 (VCV002576526.2), dbSNP rs1402999203, ClinGen allele CA356177275.